The following is an entry in ClinVar:

ClinVar aggregate classification (germline): Benign (1 of 4 stars; one submission).

Conditions:
Leigh syndrome (NULS). Also called: Leigh's necrotizing encephalopathy; Leigh's disease; Leigh Syndrome (mtDNA deletion); Leigh Disease; Subacute necrotizing encephalopathy; Necrotizing encephalopathy infantile subacute of Leigh. Identifiers: Orphanet 506, MedGen C2931891, MONDO:0009723, OMIM 256000.

Submission:

Wong Mito Lab, Molecular and Human Genetics, Baylor College of Medicine
Classification: Benign for Leigh syndrome. Last evaluated: 2019-10-17. Review status: criteria provided, single submitter. Criteria: Modified ACMG Guidelines (Unpublished). Collection method: clinical testing. Allele origin: germline.
Comment: The NC_012920.1:m.4225A>G (YP_003024026.1:p.Met307Val) variant in MTND1 gene is interpretated to be a Benign variant based on the modified ACMG guidelines (unpublished). This variant meets the following evidence codes: BS1, BS2, BP4

NC_012920.1(MT-ND1):m.4225A>G

Gene: MT-ND1 (mitochondrially encoded NADH dehydrogenase 1; plus strand).
Variant type: single nucleotide variant.
Genome position: chrM-4225-A-G.
Identifiers: ClinVar variation 692436 (VCV000692436.1), dbSNP rs1603219364, ClinGen allele CA414774462.